The following is an entry in ClinVar:

NM_005633.4(SOS1):c.2351T>C (p.Ile784Thr)

Gene: SOS1 (SOS Ras/Rac guanine nucleotide exchange factor 1; minus strand). Cytogenetic location: 2p22.1.
Variant type: single nucleotide variant.
Coding change: c.2351T>C on transcript NM_005633.4 (MANE Select); coding-DNA position 2351, T replaced by C.
Protein change: p.Ile784Thr; replaces isoleucine 784 with threonine.
Molecular consequence: missense variant.
Genome position (GRCh38, 1-based): chr2:39,012,165, A>G on the plus strand (T>C on the coding strand, the complement: SOS1 is on the minus strand). VCF-style: chr2-39012165-A-G. GRCh37 (hg19) VCF-style: chr2-39239306-A-G.
Other names: c.2330T>C, p.Ile777Thr (NM_001382394.1); c.2351T>C, p.Ile784Thr (NM_001382395.1); c.2351T>C (NM_005633.3); short protein forms I777T, I784T.
Identifiers: ClinVar variation 1677674 (VCV001677674.6), dbSNP rs1335137808, ClinGen allele CA346364069.

ClinVar aggregate classification (germline): Uncertain significance. Review status: criteria provided, multiple submitters, no conflicts (2 of 4 stars). 4 submissions from 4 submitters: Uncertain significance (4). Last evaluated 2025-08-27.

Conditions:
SOS1-related disorder. Also called: SOS1-related condition.
Noonan syndrome 4 (NS4). Also called: SOS1-Related Noonan Syndrome; NOONAN SYNDROME WITH PIGMENTED VILLONODULAR SYNOVITIS. Identifiers: Orphanet 648, MedGen C1853120, MONDO:0012547, OMIM 610733.
Fibromatosis, gingival, 1 (GINGF1). Identifiers: Orphanet 2024, MedGen C4551558, MONDO:0007609, OMIM 135300.
RASopathy. Also called: rasopathies; Noonan spectrum disorder. Identifiers: Orphanet 536391, MedGen C5555857, MONDO:0021060.

Allele frequency attached by ClinVar (database versions not stated): gnomAD exomes below 0.00001; gnomAD 0.00001; TOPMed 0.00001.
gnomAD v4.1: 5 of 1,613,548 alleles (0.00031%); highest among the groups gnomAD compares: Non-Finnish European, 0.00042%; no homozygotes.

Submissions (4):

PreventionGenetics, part of Exact Sciences
Classification: Uncertain significance for SOS1-related condition. Last evaluated: 2025-08-27. Review status: criteria provided, single submitter. Criteria: ACMG Guidelines, 2015. Collection method: clinical testing. Allele origin: germline.
Comment: The SOS1 c.2351T>C variant is predicted to result in the amino acid substitution p.Ile784Thr. This variant has been reported in an individual with dilated cardiomyopathy (Aljeaid et al. 2019. PubMed ID: 30762279). This variant has also been reported in an individual with clinical features of RASopathy; however, this individual also carried a pathogenic SOS1 p.Met269Arg variant that could explain the phenotype (Lepri et al. 2011. PubMed ID: 21387466). This variant is reported in 0.00088% of alleles in individuals of European (Non-Finnish) descent in gnomAD. At this time, the clinical significance of this variant is uncertain due to the absence of conclusive functional and genetic evidence.

Labcorp Genetics (formerly Invitae), Labcorp
Classification: Uncertain significance for RASopathy. Last evaluated: 2024-09-06. Review status: criteria provided, single submitter. Criteria: Invitae Variant Classification Sherloc (09022015). Collection method: clinical testing. Allele origin: germline.
Comment: This sequence change replaces isoleucine, which is neutral and non-polar, with threonine, which is neutral and polar, at codon 784 of the SOS1 protein (p.Ile784Thr). This variant is not present in population databases (gnomAD no frequency). This missense change has been observed in individual(s) with dilated cardiomyopathy (PMID: 30762279). ClinVar contains an entry for this variant (Variation ID: 1677674). Invitae Evidence Modeling of protein sequence and biophysical properties (such as structural, functional, and spatial information, amino acid conservation, physicochemical variation, residue mobility, and thermodynamic stability) indicates that this missense variant is expected to disrupt SOS1 protein function with a positive predictive value of 95%. In summary, the available evidence is currently insufficient to determine the role of this variant in disease. Therefore, it has been classified as a Variant of Uncertain Significance.

AiLife Diagnostics
Classification: Uncertain significance. Last evaluated: 2022-01-01. Review status: criteria provided, single submitter. Criteria: ACMG Guidelines, 2015. Collection method: clinical testing. Allele origin: germline. Affected: yes. Observed: 2 variant alleles.

Fulgent Genetics
Classification: Uncertain significance for Fibromatosis, gingival, 1; Noonan syndrome 4. Last evaluated: 2021-11-01. Review status: criteria provided, single submitter. Criteria: ACMG Guidelines, 2015. Collection method: clinical testing. Allele origin: unknown.

Literature cited by the submitters: PubMed 30762279 (cited by Labcorp Genetics (formerly Invitae), Labcorp and AiLife Diagnostics).